The following is an entry in ClinVar:

NM_000834.5(GRIN2B):c.969C>A (p.Asn323Lys)

Gene: GRIN2B (glutamate ionotropic receptor NMDA type subunit 2B; minus strand). Cytogenetic location: 12p13.1.
Variant type: single nucleotide variant.
Coding change: c.969C>A on transcript NM_000834.5 (MANE Select); coding-DNA position 969, C replaced by A.
Protein change: p.Asn323Lys; replaces asparagine 323 with lysine.
Molecular consequence: missense variant.
Genome position (GRCh38, 1-based): chr12:13,753,358, G>T on the plus strand (C>A on the coding strand, the complement: GRIN2B is on the minus strand). VCF-style: chr12-13753358-G-T. GRCh37 (hg19) VCF-style: chr12-13906292-G-T.
Other names: c.969C>A, p.Asn323Lys (NM_001413992.1, NM_001413993.1, NM_001413994.1 and 1 more transcripts); short protein forms N323K.
Identifiers: ClinVar variation 2574918 (VCV002574918.1), dbSNP rs2497776959, ClinGen allele CA384053029.

ClinVar aggregate classification (germline): Uncertain significance (1 of 4 stars; one submission).

Submission:

GeneDx
Classification: Uncertain significance. Last evaluated: 2023-02-05. Review status: criteria provided, single submitter. Criteria: GeneDx Variant Classification Process June 2021. Collection method: clinical testing. Allele origin: germline. Affected: yes.
Comment: Not observed at significant frequency in large population cohorts (gnomAD); In silico analysis supports that this missense variant has a deleterious effect on protein structure/function; Has not been previously published as pathogenic or benign to our knowledge